The following is an entry in ClinVar:

NM_001128148.3(TFRC):c.2131G>A (p.Ala711Thr)

Gene: TFRC (transferrin receptor; minus strand). Cytogenetic location: 3q29.
Variant type: single nucleotide variant.
Coding change: c.2131G>A on transcript NM_001128148.3 (MANE Select); coding-DNA position 2131, G replaced by A.
Protein change: p.Ala711Thr; replaces alanine 711 with threonine.
Molecular consequence: missense variant.
Genome position (GRCh38, 1-based): chr3:196,052,094, C>T on the plus strand (G>A on the coding strand, the complement: TFRC is on the minus strand). VCF-style: chr3-196052094-C-T. GRCh37 (hg19) VCF-style: chr3-195778965-C-T.
Other names: c.1888G>A, p.Ala630Thr (NM_001313965.2); c.1285G>A, p.Ala429Thr (NM_001313966.2); c.2131G>A, p.Ala711Thr (NM_003234.4); short protein forms A429T, A630T, A711T.
Identifiers: ClinVar variation 2963810 (VCV002963810.3), dbSNP rs1011217415, ClinGen allele CA90740148.

ClinVar aggregate classification (germline): Uncertain significance (1 of 4 stars; one submission).

Allele frequency attached by ClinVar (database versions not stated): gnomAD exomes below 0.00001.
gnomAD v4.1: 2 of 1,614,122 alleles (0.00012%); highest among the groups gnomAD compares: Admixed American, 0.0017%; no homozygotes.

Submission:

Labcorp Genetics (formerly Invitae), Labcorp
Classification: Uncertain significance. Last evaluated: 2023-03-02. Review status: criteria provided, single submitter. Criteria: Invitae Variant Classification Sherloc (09022015). Collection method: clinical testing. Allele origin: germline.
Comment: This variant is not present in population databases (gnomAD no frequency). In summary, the available evidence is currently insufficient to determine the role of this variant in disease. Therefore, it has been classified as a Variant of Uncertain Significance. Advanced modeling of protein sequence and biophysical properties (such as structural, functional, and spatial information, amino acid conservation, physicochemical variation, residue mobility, and thermodynamic stability) performed at Invitae indicates that this missense variant is expected to disrupt TFRC protein function. This variant has not been reported in the literature in individuals affected with TFRC-related conditions. This sequence change replaces alanine, which is neutral and non-polar, with threonine, which is neutral and polar, at codon 711 of the TFRC protein (p.Ala711Thr).